The following is an entry in ClinVar:

NM_000256.3(MYBPC3):c.*236G>A

Gene: MYBPC3 (myosin binding protein C3; minus strand). Cytogenetic location: 11p11.2.
Variant type: single nucleotide variant.
Coding change: c.*236G>A on transcript NM_000256.3 (MANE Select); 236 bases downstream of the stop codon, G replaced by A.
Genome position (GRCh38, 1-based): chr11:47,331,507, C>T on the plus strand (G>A on the coding strand, the complement: MYBPC3 is on the minus strand). VCF-style: chr11-47331507-C-T. GRCh37 (hg19) VCF-style: chr11-47353058-C-T.
Other names: c.*236G>A (LRG_386t1).
Identifiers: ClinVar variation 304936 (VCV000304936.7), dbSNP rs11570121, ClinGen allele CA10631006.

ClinVar aggregate classification (germline): Benign/Likely benign. Review status: criteria provided, multiple submitters, no conflicts (2 of 4 stars). 4 submissions from 3 submitters: Benign (2); Likely benign (2). Last evaluated 2018-01-13.

Conditions:
Hypertrophic cardiomyopathy 4. Also called: Familial hypertrophic cardiomyopathy 4. Identifiers: MedGen C1861862, MONDO:0007268, OMIM 115197.
Left ventricular noncompaction 10 (LVNC10). Identifiers: Orphanet 154, Orphanet 54260, MedGen C3715165, MONDO:0014163, OMIM 615396.

Allele frequency attached by ClinVar (database versions not stated): gnomAD 0.01658 and 0.01781; TOPMed 0.01894; gnomAD exomes 0.00258; 1000 Genomes Project 0.01877; 1000 Genomes Project 30x 0.01843.
gnomAD v4.1: 2,738 of 242,006 alleles (1.1%); highest among the groups gnomAD compares: African/African-American, 5.7%; 88 homozygotes.

Submissions (4):

Illumina Laboratory Services, Illumina
Classification: Benign for Left ventricular noncompaction 10. Last evaluated: 2018-01-13. Review status: criteria provided, single submitter. Criteria: ICSL Variant Classification Criteria 13 December 2019. Collection method: clinical testing. Allele origin: germline.
Comment: This variant was observed in the ICSL laboratory as part of a predisposition screen in an ostensibly healthy population. It had not been previously curated by ICSL or reported in the Human Gene Mutation Database (HGMD: prior to June 1st, 2018), and was therefore a candidate for classification through an automated scoring system. Utilizing variant allele frequency, disease prevalence and penetrance estimates, and inheritance mode, an automated score was calculated to assess if this variant is too frequent to cause the disease. Based on the score and internal cut-off values, a variant classified as benign is not then subjected to further curation. The score for this variant resulted in a classification of benign for this disease.

Illumina Laboratory Services, Illumina
Classification: Likely benign for Hypertrophic cardiomyopathy 4. Last evaluated: 2018-01-13. Review status: criteria provided, single submitter. Criteria: ICSL Variant Classification Criteria 13 December 2019. Collection method: clinical testing. Allele origin: germline.
Comment: This variant was observed in the ICSL laboratory as part of a predisposition screen in an ostensibly healthy population. It had not been previously curated by ICSL or reported in the Human Gene Mutation Database (HGMD: prior to June 1st, 2018), and was therefore a candidate for classification through an automated scoring system. Utilizing variant allele frequency, disease prevalence and penetrance estimates, and inheritance mode, an automated score was calculated to assess if this variant is too frequent to cause the disease. Based on the score and internal cut-off values, a variant classified as likely benign is not then subjected to further curation. The score for this variant resulted in a classification of likely benign for this disease.

GeneDx
Classification: Benign. Last evaluated: 2015-03-03. Review status: criteria provided, single submitter. Criteria: GeneDx Variant Classification Process June 2021. Collection method: clinical testing. Allele origin: germline. Affected: yes.

Breakthrough Genomics
Classification: Likely benign. Review status: criteria provided, single submitter. Criteria: ACMG Guidelines, 2015. Collection method: not provided. Allele origin: germline. Inheritance: Autosomal dominant inheritance. Affected: yes.